The following is an entry in ClinVar:

NM_006642.5(SDCCAG8):c.115G>C (p.Gly39Arg)

Gene: SDCCAG8 (SHH signaling and ciliogenesis regulator SDCCAG8; plus strand). Cytogenetic location: 1q43.
Variant type: single nucleotide variant.
Coding change: c.115G>C on transcript NM_006642.5 (MANE Select); coding-DNA position 115, G replaced by C.
Protein change: p.Gly39Arg; replaces glycine 39 with arginine.
Molecular consequence: missense variant. On other transcripts: 5 prime UTR variant (4).
Genome position (GRCh38, 1-based): chr1:243,270,152, G>C. VCF-style: chr1-243270152-G-C. GRCh37 (hg19) VCF-style: chr1-243433454-G-C.
Other names: c.-998G>C (NM_001350246.2); c.-886G>C (NM_001350247.2); c.115G>C, p.Gly39Arg (NM_001350248.2); c.-180G>C (NM_001350249.2); c.-1259G>C (NM_001350251.2); short protein forms G39R.
Identifiers: ClinVar variation 4989422 (VCV004989422.1).
Genomic context (GRCh38, chr1:243,270,152, plus strand): 5'-GTTGTTCTTGCAGAACATGCCAGCAGAAGCATTCACCAACTGACATGTGCCCTGAAAGAA[G>C]GCGATGTCACTATTGGAGAAGATGCACCAAATCTTTCTTTTAGCACCAGTGTGGGAAATG-3'
Protein context (NP_006633.1, residues 29-49): IHQLTCALKE[Gly39Arg]DVTIGEDAPN

ClinVar aggregate classification (germline): Uncertain significance (1 of 4 stars; one submission).

Conditions:
SDCCAG8-related disorder. Also called: SDCCAG8-Related Disorders; SDCCAG8-related condition.

gnomAD v4.1: 1 of 1,614,190 alleles (0.000062%); highest among the groups gnomAD compares: South Asian, 0.0011%; no homozygotes.

Submission:

PreventionGenetics, part of Exact Sciences
Classification: Uncertain significance for SDCCAG8-related condition. Last evaluated: 2025-11-01. Review status: criteria provided, single submitter. Criteria: ACMG Guidelines, 2015. Collection method: clinical testing. Allele origin: germline.
Comment: The SDCCAG8 c.115G>C variant is predicted to result in the amino acid substitution p.Gly39Arg. To our knowledge, this variant has not been reported in the literature or in a large population database (gnomAD), indicating this variant is rare. At this time, the clinical significance of this variant is uncertain due to the absence of conclusive functional and genetic evidence.